The following is an entry in ClinVar:

NM_002637.4(PHKA1):c.1760G>A (p.Arg587Gln)

Gene: PHKA1 (phosphorylase kinase regulatory subunit alpha 1; minus strand). Cytogenetic location: Xq13.1.
Variant type: single nucleotide variant.
Coding change: c.1760G>A on transcript NM_002637.4 (MANE Select); coding-DNA position 1760, G replaced by A.
Protein change: p.Arg587Gln; replaces arginine 587 with glutamine.
Molecular consequence: missense variant.
Genome position (GRCh38, 1-based): chrX:72,627,004, C>T on the plus strand (G>A on the coding strand, the complement: PHKA1 is on the minus strand). VCF-style: chrX-72627004-C-T. GRCh37 (hg19) VCF-style: chrX-71846854-C-T.
Other names: c.1760G>A, p.Arg587Gln (NM_001122670.2, NM_001172436.2); short protein forms R587Q.
Identifiers: ClinVar variation 2143409 (VCV002143409.3), dbSNP rs782809860, ClinGen allele CA10450820.

ClinVar aggregate classification (germline): Uncertain significance (1 of 4 stars; one submission).

Conditions:
Glycogen storage disease IXd (GSD9D). Also called: GSD IXd; Muscle Phosphorylase Kinase Deficiency. Identifiers: Orphanet 715, MedGen C1845151, MONDO:0010362, OMIM 300559.

Allele frequency attached by ClinVar (database versions not stated): TOPMed 0.00002; gnomAD exomes 0.00003; ExAC 0.00008; gnomAD 0.00008; 1000 Genomes Project 30x 0.00042; 1000 Genomes Project 0.00053.
gnomAD v4.1: 44 of 1,207,343 alleles (0.0036%); highest among the groups gnomAD compares: South Asian, 0.049%; no homozygotes.

Submission:

Labcorp Genetics (formerly Invitae), Labcorp
Classification: Uncertain significance for Glycogen storage disease IXd. Last evaluated: 2024-06-26. Review status: criteria provided, single submitter. Criteria: Invitae Variant Classification Sherloc (09022015). Collection method: clinical testing. Allele origin: germline.
Comment: This sequence change replaces arginine, which is basic and polar, with glutamine, which is neutral and polar, at codon 587 of the PHKA1 protein (p.Arg587Gln). This variant is present in population databases (rs782809860, gnomAD 0.04%). This variant has not been reported in the literature in individuals affected with PHKA1-related conditions. ClinVar contains an entry for this variant (Variation ID: 2143409). Advanced modeling of protein sequence and biophysical properties (such as structural, functional, and spatial information, amino acid conservation, physicochemical variation, residue mobility, and thermodynamic stability) performed at Invitae indicates that this missense variant is not expected to disrupt PHKA1 protein function with a negative predictive value of 80%. In summary, the available evidence is currently insufficient to determine the role of this variant in disease. Therefore, it has been classified as a Variant of Uncertain Significance.